The following is an entry in ClinVar:

NM_001122848.3(SLC6A12):c.1481G>C (p.Trp494Ser)

Gene: SLC6A12 (solute carrier family 6 member 12; minus strand). Cytogenetic location: 12p13.33.
Variant type: single nucleotide variant.
Coding change: c.1481G>C on transcript NM_001122848.3 (MANE Select); coding-DNA position 1481, G replaced by C.
Protein change: p.Trp494Ser; replaces tryptophan 494 with serine.
Molecular consequence: missense variant.
Genome position (GRCh38, 1-based): chr12:193,326, C>G on the plus strand (G>C on the coding strand, the complement: SLC6A12 is on the minus strand). VCF-style: chr12-193326-C-G. GRCh37 (hg19) VCF-style: chr12-302492-C-G.
Other names: c.1481G>C, p.Trp494Ser (NM_001206931.2, NM_003044.5, NM_001122847.3); short protein forms W494S.
Identifiers: ClinVar variation 2642560 (VCV002642560.24), dbSNP rs138178078, ClinGen allele CA6377116.
Genomic context (GRCh38, chr12:193,326, plus strand): 5'-TGGGCACATACCAGGCAAAGTCCAGGGGTCAGGAAGAGCCAGGAGATCTTCACCAGGGGC[C>G]ATGGCCGGTAGCCAATCATGTCCTCAATGTTGTCATAGAAACGGTCCGCCCCTGAGCAGG-3'
Protein context (NP_001116320.1, residues 484-504): NIEDMIGYRP[Trp494Ser]PLVKISWLFL

ClinVar aggregate classification (germline): Likely benign (1 of 4 stars; one submission).

Allele frequency attached by ClinVar (database versions not stated): 1000 Genomes Project 30x 0.00016; 1000 Genomes Project 0.00020; TOPMed 0.00097; ESP Exome Variant Server 0.00146; gnomAD 0.00206.
gnomAD v4.1: 2,732 of 1,614,084 alleles (0.17%); highest among the groups gnomAD compares: Non-Finnish European, 0.17%; 15 homozygotes.

Submission:

CeGaT Center for Human Genetics Tuebingen
Classification: Likely benign. Last evaluated: 2023-01-01. Review status: criteria provided, single submitter. Criteria: CeGaT Center For Human Genetics Tuebingen Variant Classification Criteria Version 2. Collection method: clinical testing. Allele origin: germline. Affected: yes. Observed: 1 variant allele.
Comment: SLC6A12: BS2